The following is an entry in ClinVar:

NM_004357.5(CD151):c.69C>T (p.Tyr23=)

Gene: CD151 (CD151 molecule (Raph blood group); plus strand). Cytogenetic location: 11p15.5.
Variant type: single nucleotide variant.
Coding change: c.69C>T on transcript NM_004357.5 (MANE Select); coding-DNA position 69, C replaced by T.
Protein change: p.Tyr23=; no amino-acid change (tyrosine 23 retained).
Molecular consequence: synonymous variant.
Genome position (GRCh38, 1-based): chr11:836,138, C>T. VCF-style: chr11-836138-C-T. GRCh37 (hg19) VCF-style: chr11-836138-C-T.
Other names: c.69C>T, p.Tyr23= (NM_001039490.2, NM_139029.2, NM_139030.4).
Identifiers: ClinVar variation 2906836 (VCV002906836.5), dbSNP rs781747523, ClinGen allele CA5792021.
Genomic context (GRCh38, chr11:836,138, plus strand): 5'-GTTCAACGAGAAGAAGACAACATGTGGCACCGTTTGCCTCAAGTACCTGCTGTTTACCTA[C>T]AATTGCTGCTTCTGGGTGAGGAGGGGTCGCCTTGCCCCCACCCCCACCCCCACCCCTCCC-3'
Protein context (NP_004348.2, residues 13-33): TVCLKYLLFT[Tyr23=]NCCFWLAGLA

ClinVar aggregate classification (germline): Likely benign. Review status: criteria provided, single submitter (1 of 4 stars). 2 submissions from 2 submitters: Likely benign (1). 1 of the submissions does not count toward it. Last evaluated 2025-11-23.

Conditions:
CD151-related disorder. Also called: CD151-related condition.

Allele frequency attached by ClinVar (database versions not stated): gnomAD 0.00009; gnomAD exomes 0.00001; ExAC 0.00002; TOPMed 0.00012.
gnomAD v4.1: 24 of 1,612,378 alleles (0.0015%); highest among the groups gnomAD compares: African/African-American, 0.032%; no homozygotes.

Submissions (2):

Labcorp Genetics (formerly Invitae), Labcorp
Classification: Likely benign. Last evaluated: 2025-11-23. Review status: criteria provided, single submitter. Criteria: Invitae Variant Classification Sherloc (09022015). Collection method: clinical testing. Allele origin: germline.

PreventionGenetics, part of Exact Sciences
Classification: Likely benign for CD151-related condition. Last evaluated: 2019-11-26. Review status: no assertion criteria provided. Collection method: clinical testing. Allele origin: germline. Not counted in ClinVar's aggregate classification.
Comment: This variant is classified as likely benign based on ACMG/AMP sequence variant interpretation guidelines (Richards et al. 2015 PMID: 25741868, with internal and published modifications).